The following is an entry in ClinVar:

NM_000088.4(COL1A1):c.3950A>G (p.Asn1317Ser)

Gene: COL1A1 (collagen type I alpha 1 chain; minus strand). Cytogenetic location: 17q21.33.
Variant type: single nucleotide variant.
Coding change: c.3950A>G on transcript NM_000088.4 (MANE Select); coding-DNA position 3950, A replaced by G.
Protein change: p.Asn1317Ser; replaces asparagine 1317 with serine.
Molecular consequence: missense variant.
Genome position (GRCh38, 1-based): chr17:50,186,372, T>C on the plus strand (A>G on the coding strand, the complement: COL1A1 is on the minus strand). VCF-style: chr17-50186372-T-C. GRCh37 (hg19) VCF-style: chr17-48263733-T-C.
Other names: short protein forms N1317S.
Identifiers: ClinVar variation 3661487 (VCV003661487.3).

ClinVar aggregate classification (germline): Conflicting classifications of pathogenicity. Review status: criteria provided, conflicting classifications (1 of 4 stars). 2 submissions from 2 submitters: Uncertain significance (1); Likely benign (1). Last evaluated 2026-04-29.

Conditions:
Osteogenesis imperfecta type I (OI1). Also called: OI, TYPE I; OSTEOGENESIS IMPERFECTA TARDA; OSTEOGENESIS IMPERFECTA WITH BLUE SCLERAE; Osteogenesis imperfecta type 1; Lobstein's Disease; Lobstein disease. Identifiers: Orphanet 216796, Orphanet 666, MedGen C0023931, MONDO:0008146, OMIM 166200. Disease mechanism: loss of function.

gnomAD v4.1: 49 of 1,614,034 alleles (0.003%); highest among the groups gnomAD compares: Non-Finnish European, 0.0039%; no homozygotes.

Submissions (2):

Women's Health and Genetics/Laboratory Corporation of America, LabCorp
Classification: Likely benign. Last evaluated: 2026-04-29. Review status: criteria provided, single submitter. Criteria: LabCorp Variant Classification Summary - May 2015. Collection method: clinical testing. Allele origin: germline.
Comment: Variant summary: COL1A1 c.3950A>G (p.Asn1317Ser) results in a conservative amino acid change located in the Fibrillar collagen, C-terminal domain (IPR000885) of the encoded protein sequence. Algorithms developed to predict the effect of missense changes on protein structure and function are either unavailable or do not agree on the potential impact of this missense change. The variant allele was found at a frequency of 3e-05 in 1607038 control chromosomes, predominantly at a frequency of 3.9e-05 within the Non-Finnish European subpopulation in the gnomAD database (v4.1 dataset). The observed variant frequency within Non-Finnish European control individuals in the gnomAD database exceeds the estimated maximal expected allele frequency for disease-causing variants in COL1A1. To our knowledge, no occurrence of c.3950A>G in individuals affected with COL1A1-related conditions and no experimental evidence demonstrating its impact on protein function have been reported. ClinVar contains an entry for this variant (Variation ID: 3661487). Based on the evidence outlined above, the variant was classified as likely benign.

Labcorp Genetics (formerly Invitae), Labcorp
Classification: Uncertain significance for Osteogenesis imperfecta type I. Last evaluated: 2024-02-24. Review status: criteria provided, single submitter. Criteria: Invitae Variant Classification Sherloc (09022015). Collection method: clinical testing. Allele origin: germline.
Comment: This sequence change replaces asparagine, which is neutral and polar, with serine, which is neutral and polar, at codon 1317 of the COL1A1 protein (p.Asn1317Ser). This variant is not present in population databases (gnomAD no frequency). This variant has not been reported in the literature in individuals affected with COL1A1-related conditions. Advanced modeling of protein sequence and biophysical properties (such as structural, functional, and spatial information, amino acid conservation, physicochemical variation, residue mobility, and thermodynamic stability) performed at Invitae indicates that this missense variant is not expected to disrupt COL1A1 protein function with a negative predictive value of 95%. In summary, the available evidence is currently insufficient to determine the role of this variant in disease. Therefore, it has been classified as a Variant of Uncertain Significance.